The following is an entry in ClinVar:

NM_000368.5(TSC1):c.658G>C (p.Val220Leu)

Gene: TSC1 (TSC complex subunit 1; minus strand). Cytogenetic location: 9q34.13.
Variant type: single nucleotide variant.
Coding change: c.658G>C on transcript NM_000368.5 (MANE Select); coding-DNA position 658, G replaced by C.
Protein change: p.Val220Leu; replaces valine 220 with leucine.
Molecular consequence: missense variant. On other transcripts: 5 prime UTR variant (5), non-coding transcript variant (5).
Genome position (GRCh38, 1-based): chr9:132,921,824, C>G on the plus strand (G>C on the coding strand, the complement: TSC1 is on the minus strand). VCF-style: chr9-132921824-C-G. GRCh37 (hg19) VCF-style: chr9-135797211-C-G.
Other names: c.658G>C, p.Val220Leu (NM_001406607.1, NM_001406608.1, NM_001406606.1 and 16 more transcripts); c.505G>C, p.Val169Leu (NM_001406610.1, NM_001406611.1, NM_001162427.2 and 2 more transcripts); c.295G>C, p.Val99Leu (NM_001362177.2, NM_001406615.1, NM_001406616.1 and 10 more transcripts); c.-220G>C (NM_001406626.1, NM_001406627.1, NM_001406628.1); c.-362G>C (NM_001406629.1); c.-436G>C (NM_001406630.1); short protein forms V169L, V220L, V99L.
Identifiers: ClinVar variation 4192090 (VCV004192090.1).

ClinVar aggregate classification (germline): Uncertain significance (1 of 4 stars; one submission).

Conditions:
Hereditary cancer-predisposing syndrome. Also called: Neoplastic Syndromes, Hereditary; Tumor predisposition; Hereditary Cancer Syndrome; Hereditary neoplastic syndrome. Identifiers: Orphanet 140162, MedGen C0027672, MeSH D009386, MONDO:0015356.

Submission:

Ambry Genetics
Classification: Uncertain significance for Hereditary cancer-predisposing syndrome. Last evaluated: 2025-08-06. Review status: criteria provided, single submitter. Criteria: Ambry Variant Classification Scheme 2023. Collection method: clinical testing. Allele origin: germline.
Comment: The p.V220L variant (also known as c.658G>C), located in coding exon 5 of the TSC1 gene, results from a G to C substitution at nucleotide position 658. The valine at codon 220 is replaced by leucine, an amino acid with highly similar properties. This amino acid position is well conserved in available vertebrate species. In addition, this alteration is predicted to be deleterious by in silico analysis. Based on the available evidence, the clinical significance of this variant remains unclear.